The following is an entry in ClinVar:

ClinVar aggregate classification (germline): Uncertain significance (1 of 4 stars; one submission).

gnomAD v4.1: 2 of 1,614,062 alleles (0.00012%); highest among the groups gnomAD compares: Non-Finnish European, 0.00017%; no homozygotes.

Submission:

Labcorp Genetics (formerly Invitae), Labcorp
Classification: Uncertain significance. Last evaluated: 2024-09-04. Review status: criteria provided, single submitter. Criteria: Invitae Variant Classification Sherloc (09022015). Collection method: clinical testing. Allele origin: germline.
Comment: This sequence change replaces serine, which is neutral and polar, with asparagine, which is neutral and polar, at codon 466 of the EFTUD2 protein (p.Ser466Asn). This variant is present in population databases (rs753253075, gnomAD 0.0009%). This variant has not been reported in the literature in individuals affected with EFTUD2-related conditions. Invitae Evidence Modeling of protein sequence and biophysical properties (such as structural, functional, and spatial information, amino acid conservation, physicochemical variation, residue mobility, and thermodynamic stability) indicates that this missense variant is expected to disrupt EFTUD2 protein function with a positive predictive value of 80%. In summary, the available evidence is currently insufficient to determine the role of this variant in disease. Therefore, it has been classified as a Variant of Uncertain Significance.

NM_004247.4(EFTUD2):c.1397G>A (p.Ser466Asn)

Gene: EFTUD2 (elongation factor Tu GTP binding domain containing 2; minus strand). Cytogenetic location: 17q21.31.
Variant type: single nucleotide variant.
Coding change: c.1397G>A on transcript NM_004247.4 (MANE Select); coding-DNA position 1397, G replaced by A.
Protein change: p.Ser466Asn; replaces serine 466 with asparagine.
Molecular consequence: missense variant.
Genome position (GRCh38, 1-based): chr17:44,863,671, C>T on the plus strand (G>A on the coding strand, the complement: EFTUD2 is on the minus strand). VCF-style: chr17-44863671-C-T. GRCh37 (hg19) VCF-style: chr17-42941039-C-T.
Other names: c.1292G>A, p.Ser431Asn (NM_001142605.2); c.1397G>A, p.Ser466Asn (NM_001258353.2); c.1367G>A, p.Ser456Asn (NM_001258354.2); short protein forms S431N, S456N, S466N.
Identifiers: ClinVar variation 3671208 (VCV003671208.2).
Genomic context (GRCh38, chr17:44,863,671, plus strand): 5'-AGGGGAAAAAAAGACCAGAGAACCGGGGAGCCACATGCCCTTACATCAGGGTCACAGTCA[C>T]TCATAGCCTCGCCGAGGTCGGAGTCCACACCACCGGTGTAGGTGTGCTCAATCTTGGGCT-3'
Protein context (NP_004238.3, residues 456-476): GVDSDLGEAM[Ser466Asn]DCDPDGPLMC